The following is an entry in ClinVar:

NM_005141.5(FGB):c.291C>T (p.His97=)

Gene: FGB (fibrinogen beta chain; plus strand). Cytogenetic location: 4q31.3.
Variant type: single nucleotide variant.
Coding change: c.291C>T on transcript NM_005141.5 (MANE Select); coding-DNA position 291, C replaced by T.
Protein change: p.His97=; no amino-acid change (histidine 97 retained).
Molecular consequence: synonymous variant. On other transcripts: intron variant (1).
Genome position (GRCh38, 1-based): chr4:154,565,984, C>T. VCF-style: chr4-154565984-C-T. GRCh37 (hg19) VCF-style: chr4-155487136-C-T.
Other names: c.291C>T, p.His97= (NM_001382759.1, NM_001382760.1, NM_001382761.1 and 4 more transcripts); c.165+126C>T (NM_001184741.1).
Identifiers: ClinVar variation 347771 (VCV000347771.14), dbSNP rs6060, ClinGen allele CA3114483.

ClinVar aggregate classification (germline): Benign. Review status: criteria provided, multiple submitters, no conflicts (2 of 4 stars). 3 submissions from 3 submitters: Benign (3). Last evaluated 2026-01-15.

Conditions:
Congenital afibrinogenemia. Identifiers: Orphanet 335, Orphanet 98880, MedGen C2584774, MONDO:0008737, OMIM 202400.

Allele frequency attached by ClinVar (database versions not stated): TOPMed 0.01418; 1000 Genomes Project 0.01558; ExAC 0.00404; gnomAD 0.01247 and 0.01330; ESP Exome Variant Server 0.01292; 1000 Genomes Project 30x 0.01718.

Submissions (3):

Labcorp Genetics (formerly Invitae), Labcorp
Classification: Benign. Last evaluated: 2026-01-15. Review status: criteria provided, single submitter. Criteria: Invitae Variant Classification Sherloc (09022015). Collection method: clinical testing. Allele origin: germline.

Illumina Laboratory Services, Illumina
Classification: Benign for Congenital afibrinogenemia. Last evaluated: 2018-01-13. Review status: criteria provided, single submitter. Criteria: ICSL Variant Classification Criteria 13 December 2019. Collection method: clinical testing. Allele origin: germline.
Comment: This variant was observed in the ICSL laboratory as part of a predisposition screen in an ostensibly healthy population. It had not been previously curated by ICSL or reported in the Human Gene Mutation Database (HGMD: prior to June 1st, 2018), and was therefore a candidate for classification through an automated scoring system. Utilizing variant allele frequency, disease prevalence and penetrance estimates, and inheritance mode, an automated score was calculated to assess if this variant is too frequent to cause the disease. Based on the score and internal cut-off values, a variant classified as benign is not then subjected to further curation. The score for this variant resulted in a classification of benign for this disease.

Breakthrough Genomics
Classification: Benign. Review status: criteria provided, single submitter. Criteria: ACMG Guidelines, 2015. Collection method: not provided. Allele origin: germline. Inheritance: Autosomal recessive inheritance. Affected: yes.